The following is an entry in ClinVar:

NM_016247.4(IMPG2):c.3616A>G (p.Ser1206Gly)

Gene: IMPG2 (interphotoreceptor matrix proteoglycan 2; minus strand). Cytogenetic location: 3q12.3.
Variant type: single nucleotide variant.
Coding change: c.3616A>G on transcript NM_016247.4 (MANE Select); coding-DNA position 3616, A replaced by G.
Protein change: p.Ser1206Gly; replaces serine 1206 with glycine.
Molecular consequence: missense variant.
Genome position (GRCh38, 1-based): chr3:101,229,397, T>C on the plus strand (A>G on the coding strand, the complement: IMPG2 is on the minus strand). VCF-style: chr3-101229397-T-C. GRCh37 (hg19) VCF-style: chr3-100948241-T-C.
Other names: short protein forms S1206G.
Identifiers: ClinVar variation 2001422 (VCV002001422.1), dbSNP rs1407244592, ClinGen allele CA353846852.

ClinVar aggregate classification (germline): Uncertain significance (1 of 4 stars; one submission).

Allele frequency attached by ClinVar (database versions not stated): gnomAD exomes 0.00001.
gnomAD v4.1: 3 of 1,400,504 alleles (0.00021%); highest among the groups gnomAD compares: Admixed American, 0.0019%; no homozygotes.

Submission:

Labcorp Genetics (formerly Invitae), Labcorp
Classification: Uncertain significance. Last evaluated: 2022-08-05. Review status: criteria provided, single submitter. Criteria: Invitae Variant Classification Sherloc (09022015). Collection method: clinical testing. Allele origin: germline.
Comment: This sequence change replaces serine, which is neutral and polar, with glycine, which is neutral and non-polar, at codon 1206 of the IMPG2 protein (p.Ser1206Gly). This variant is present in population databases (no rsID available, gnomAD 0.003%). This variant has not been reported in the literature in individuals affected with IMPG2-related conditions. Algorithms developed to predict the effect of missense changes on protein structure and function (SIFT, PolyPhen-2, Align-GVGD) all suggest that this variant is likely to be disruptive. Algorithms developed to predict the effect of sequence changes on RNA splicing suggest that this variant may create or strengthen a splice site. In summary, the available evidence is currently insufficient to determine the role of this variant in disease. Therefore, it has been classified as a Variant of Uncertain Significance.